The following is an entry in ClinVar:

ClinVar aggregate classification (germline): Uncertain significance (1 of 4 stars; one submission).

Conditions:
Hereditary cancer-predisposing syndrome. Also called: Hereditary Cancer Syndrome; Hereditary neoplastic syndrome; Neoplastic Syndromes, Hereditary; Tumor predisposition. Identifiers: Orphanet 140162, MedGen C0027672, MeSH D009386, MONDO:0015356.

Submission:

Sema4
Classification: Uncertain significance for Hereditary cancer-predisposing syndrome. Last evaluated: 2021-12-13. Review status: criteria provided, single submitter. Criteria: Sema4 Curation Guidelines. Collection method: curation. Allele origin: germline.
Comment: The NF1 c.61-13_61-12delCT variant has not been reported in the literature to our knowledge. This variant is not reported in the population database Genome Aggregation Database (PMID: 32461654), nor in ClinVar. In silico tools do not predict negative effect on splicing, though these predictions have not been confirmed by functional studies. The evidence is insufficient to meet ACMG/AMP criteria for classifying the variant as benign or pathogenic. Thus, the clinical significance of this variant is currently uncertain.

NM_001042492.3(NF1):c.61-13_61-12del

Gene: NF1 (neurofibromin 1; plus strand). Cytogenetic location: 17q11.2.
Variant type: Deletion.
Coding change: c.61-13_61-12del on transcript NM_001042492.3 (MANE Select); 13 bases into the intron before coding-DNA position 61 through 12 bases into the intron before coding-DNA position 61, 2 bases deleted (CT; older notation c.61-13_61-12delCT).
Molecular consequence: intron variant.
Genome position (GRCh38, 1-based): chr17:31,155,970-31,155,971, CT deleted; deleting any 2 consecutive bases within chr17:31,155,969-31,155,971 gives the same sequence; the c. name uses the placement nearest the transcript's 3' end. VCF-style (leftmost placement, unchanged base first): chr17-31155968-TTC-T. GRCh37 (hg19) VCF-style: chr17-29482986-TTC-T.
Other names: c.61-13_61-12del (NM_000267.4, NM_001128147.3).
Identifiers: ClinVar variation 1692343 (VCV001692343.1), dbSNP rs2143624815, ClinGen allele CA2573153512.